The following is an entry in ClinVar:

NM_000094.4(COL7A1):c.5701G>A (p.Gly1901Ser)

Gene: COL7A1 (collagen type VII alpha 1 chain; minus strand). Cytogenetic location: 3p21.31.
Variant type: single nucleotide variant.
Coding change: c.5701G>A on transcript NM_000094.4 (MANE Select); coding-DNA position 5701, G replaced by A.
Protein change: p.Gly1901Ser; replaces glycine 1901 with serine.
Molecular consequence: missense variant.
Genome position (GRCh38, 1-based): chr3:48,576,557, C>T on the plus strand (G>A on the coding strand, the complement: COL7A1 is on the minus strand). VCF-style: chr3-48576557-C-T. GRCh37 (hg19) VCF-style: chr3-48613990-C-T.
Other names: short protein forms G1901S.
Identifiers: ClinVar variation 1399818 (VCV001399818.7), dbSNP rs762189891, ClinGen allele CA2379372.

ClinVar aggregate classification (germline): Uncertain significance. Review status: criteria provided, multiple submitters, no conflicts (2 of 4 stars). 3 submissions from 3 submitters: Uncertain significance (3). Last evaluated 2025-12-31.

Conditions:
Recessive dystrophic epidermolysis bullosa (RDEB). Also called: Hallopeau-Siemens Disease; epidermolysis bullosa dystrophica, autosomal recessive; DYSTROPHIC EPIDERMOLYSIS BULLOSA, AUTOSOMAL RECESSIVE; EPIDERMOLYSIS BULLOSA DYSTROPHICA, HALLOPEAU-SIEMENS TYPE; Recessive DEB (RDEB); EPIDERMOLYSIS BULLOSA DYSTROPHICA, GENERALIZED SEVERE, AUTOSOMAL RECESSIVE. Identifiers: Orphanet 79408, Orphanet 79409, MedGen C0079474, MONDO:0009179, OMIM 226600.
Transient bullous dermolysis of the newborn (TBDN). Also called: EPIDERMOLYSIS BULLOSA DYSTROPHICA, NEONATAL FORM; DYSTROPHIC EPIDERMOLYSIS BULLOSA, NEONATAL. Identifiers: Orphanet 79411, MedGen C1851573, MONDO:0007548, OMIM 131705.
Nonsyndromic congenital nail disorder 8. Also called: TOENAIL DYSTROPHY, ISOLATED. Identifiers: MedGen C1843761, MONDO:0011852, OMIM 607523.
Generalized dominant dystrophic epidermolysis bullosa (DDEB). Also called: DDEB, generalized; DDEB-gen; Dominant DEB (DDEB); DYSTROPHIC EPIDERMOLYSIS BULLOSA, AUTOSOMAL DOMINANT; Epidermolysis bullosa dystrophica, autosomal dominant. Identifiers: Orphanet 231568, MedGen C0432322, MONDO:0007549, OMIM 131750.
Epidermolysis bullosa pruriginosa. Also called: DEB, PRURIGINOSA; DYSTROPHIC EPIDERMOLYSIS BULLOSA PRURIGINOSA. Identifiers: Orphanet 89843, MedGen C1275114, MONDO:0011398, OMIM 604129.
Pretibial dystrophic epidermolysis bullosa. Also called: Pretibial epidermolysis bullosa; Pretibial blistering; EPIDERMOLYSIS BULLOSA DYSTROPHICA, PRETIBIAL. Identifiers: Orphanet 79410, MedGen C0432321, MONDO:0007552, OMIM 131850, HP:0012221.
Dominant dystrophic epidermolysis bullosa with absence of skin. Also called: EPIDERMOLYSIS BULLOSA DYSTROPHICA, BART TYPE; EPIDERMOLYSIS BULLOSA WITH CONGENITAL LOCALIZED ABSENCE OF SKIN AND DEFORMITY OF NAILS. Identifiers: MedGen C0268371, MONDO:0007557, OMIM 132000.

Allele frequency attached by ClinVar (database versions not stated): gnomAD exomes 0.00001; ExAC 0.00002.

Submissions (3):

Myriad Genetics, Inc.
Classification: Uncertain significance for Recessive dystrophic epidermolysis bullosa. Last evaluated: 2025-12-31. Review status: criteria provided, single submitter. Criteria: Myriad Autosomal Dominant, Autosomal Recessive and X-Linked Classification Criteria (2023). Collection method: clinical testing. Allele origin: unknown.
Comment: NM_000094.3(COL7A1):c.5701G>A(G1901S) is a missense variant classified as a variant of uncertain significance in the context of dystrophic epidermolysis bullosa. G1901S has not been observed in cases with relevant disease. Relevant functional assessments of this variant are not available in the literature. G1901S has been observed in referenced population frequency databases. In summary, there is insufficient evidence to classify NM_000094.3(COL7A1):c.5701G>A(G1901S) as pathogenic or benign. Please note: this variant was assessed in the context of healthy population screening.

Labcorp Genetics (formerly Invitae), Labcorp
Classification: Uncertain significance. Last evaluated: 2024-10-27. Review status: criteria provided, single submitter. Criteria: Invitae Variant Classification Sherloc (09022015). Collection method: clinical testing. Allele origin: germline.
Comment: This sequence change replaces glycine, which is neutral and non-polar, with serine, which is neutral and polar, at codon 1901 of the COL7A1 protein (p.Gly1901Ser). This variant is present in population databases (rs762189891, gnomAD 0.01%). This variant has not been reported in the literature in individuals affected with COL7A1-related conditions. ClinVar contains an entry for this variant (Variation ID: 1399818). Experimental studies and prediction algorithms are not available or were not evaluated, and the functional significance of this variant is currently unknown. Algorithms developed to predict the effect of sequence changes on RNA splicing suggest that this variant may disrupt the consensus splice site. In summary, the available evidence is currently insufficient to determine the role of this variant in disease. Therefore, it has been classified as a Variant of Uncertain Significance.

Fulgent Genetics
Classification: Uncertain significance for Transient bullous dermolysis of the newborn; Generalized dominant dystrophic epidermolysis bullosa; Pretibial dystrophic epidermolysis bullosa; Dominant dystrophic epidermolysis bullosa with absence of skin; Recessive dystrophic epidermolysis bullosa; Epidermolysis bullosa pruriginosa; Nonsyndromic congenital nail disorder 8. Last evaluated: 2022-05-19. Review status: criteria provided, single submitter. Criteria: ACMG Guidelines, 2015. Collection method: clinical testing. Allele origin: unknown.